The following is an entry in ClinVar:

NM_014679.5(CEP57):c.517A>G (p.Arg173Gly)

Gene: CEP57 (centrosomal protein 57; plus strand). Cytogenetic location: 11q21.
Variant type: single nucleotide variant.
Coding change: c.517A>G on transcript NM_014679.5 (MANE Select); coding-DNA position 517, A replaced by G.
Protein change: p.Arg173Gly; replaces arginine 173 with glycine.
Molecular consequence: missense variant. On other transcripts: intron variant (7).
Genome position (GRCh38, 1-based): chr11:95,817,799, A>G. VCF-style: chr11-95817799-A-G. GRCh37 (hg19) VCF-style: chr11-95550963-A-G.
Other names: c.517A>G, p.Arg173Gly (NM_001440871.1, NM_001440874.1, NM_001243777.2); c.337A>G, p.Arg113Gly (NM_001440873.1); c.436A>G, p.Arg146Gly (NM_001440875.1, NM_001363604.2, NM_001440869.1 and 1 more transcripts); c.256A>G, p.Arg86Gly (NM_001440880.1); c.424-1028A>G (NM_001440877.1, NM_001440878.1); c.505-1028A>G (NM_001440872.1, NM_001440876.1, NM_001440879.1 and 1 more transcripts); c.325-1028A>G (NM_001440881.1); c.490A>G, p.Arg164Gly (NM_001243776.2); short protein forms R86G, R113G, R164G, R173G, R146G.
Identifiers: ClinVar variation 4826398 (VCV004826398.1).

ClinVar aggregate classification (germline): Uncertain significance (1 of 4 stars; one submission).

Conditions:
Inborn genetic diseases. Identifiers: MedGen C0950123, MeSH D030342.

Submission:

Ambry Genetics
Classification: Uncertain significance for Inborn genetic diseases. Last evaluated: 2026-03-13. Review status: criteria provided, single submitter. Criteria: Ambry Variant Classification Scheme 2023. Collection method: clinical testing. Allele origin: germline.
Comment: The p.R173G variant (also known as c.517A>G), located in coding exon 5 of the CEP57 gene, results from an A to G substitution at nucleotide position 517. The arginine at codon 173 is replaced by glycine, an amino acid with dissimilar properties. This amino acid position is conserved. In addition, this alteration is predicted to be tolerated by in silico analysis. Based on the available evidence, the clinical significance of this variant remains unclear.